The following is an entry in ClinVar:

NM_024596.5(MCPH1):c.321+2T>C

Gene: MCPH1 (microcephalin 1; plus strand). Cytogenetic location: 8p23.1.
Variant type: single nucleotide variant.
Coding change: c.321+2T>C on transcript NM_024596.5 (MANE Select); the canonical splice donor site of the intron after coding-DNA position 321, T replaced by C.
Molecular consequence: splice donor variant.
Genome position (GRCh38, 1-based): chr8:6,431,588, T>C. VCF-style: chr8-6431588-T-C. GRCh37 (hg19) VCF-style: chr8-6289109-T-C.
Other names: c.321+2T>C (NM_001322042.2, NM_001363980.2, NM_001363979.1 and 4 more transcripts); c.315+2T>C (NM_001322043.2); c.219+2T>C (NM_001322045.2).
Identifiers: ClinVar variation 2960083 (VCV002960083.4), dbSNP rs374636201, ClinGen allele CA4610171.

ClinVar aggregate classification (germline): Likely pathogenic. Review status: criteria provided, multiple submitters, no conflicts (2 of 4 stars). 2 submissions from 2 submitters: Likely pathogenic (2). Last evaluated 2024-06-20.

Conditions:
Microcephaly 1, primary, autosomal recessive (MCPH1). Also called: PREMATURE CHROMOSOME CONDENSATION SYNDROME; PCC SYNDROME; PREMATURE CHROMOSOME CONDENSATION WITH MICROCEPHALY AND MENTAL RETARDATION. Identifiers: Orphanet 2512, MedGen C1855081, MONDO:0009617, OMIM 251200.

Allele frequency attached by ClinVar (database versions not stated): ExAC 0.00001; gnomAD 0.00002; TOPMed 0.00002; ESP Exome Variant Server 0.00017.
gnomAD v4.1: 3 of 1,576,060 alleles (0.00019%); highest among the groups gnomAD compares: African/African-American, 0.0041%; no homozygotes.

Submissions (2):

Fulgent Genetics
Classification: Likely pathogenic for Microcephaly 1, primary, autosomal recessive. Last evaluated: 2024-06-20. Review status: criteria provided, single submitter. Criteria: ACMG Guidelines, 2015. Collection method: clinical testing. Allele origin: germline.

Labcorp Genetics (formerly Invitae), Labcorp
Classification: Likely pathogenic. Last evaluated: 2024-01-03. Review status: criteria provided, single submitter. Criteria: Invitae Variant Classification Sherloc (09022015). Collection method: clinical testing. Allele origin: germline.
Comment: This sequence change affects a donor splice site in intron 4 of the MCPH1 gene. It is expected to disrupt RNA splicing. Variants that disrupt the donor or acceptor splice site typically lead to a loss of protein function (PMID: 16199547), and loss-of-function variants in MCPH1 are known to be pathogenic (PMID: 20978018). This variant is present in population databases (rs374636201, gnomAD 0.007%). This variant has not been reported in the literature in individuals affected with MCPH1-related conditions. Algorithms developed to predict the effect of sequence changes on RNA splicing suggest that this variant may disrupt the consensus splice site. In summary, the currently available evidence indicates that the variant is pathogenic, but additional data are needed to prove that conclusively. Therefore, this variant has been classified as Likely Pathogenic.

Literature cited by the submitters: PubMed 16199547 (cited by Labcorp Genetics (formerly Invitae), Labcorp); PubMed 20978018 (cited by Labcorp Genetics (formerly Invitae), Labcorp).